The following is an entry in ClinVar:

NM_000494.4(COL17A1):c.2635C>T (p.Arg879Ter)

Gene: COL17A1 (collagen type XVII alpha 1 chain; minus strand). Cytogenetic location: 10q25.1.
Variant type: single nucleotide variant.
Coding change: c.2635C>T on transcript NM_000494.4 (MANE Select); coding-DNA position 2635, C replaced by T.
Protein change: p.Arg879Ter; replaces arginine 879 with a stop codon.
Molecular consequence: nonsense.
Genome position (GRCh38, 1-based): chr10:104,041,315, G>A on the plus strand (C>T on the coding strand, the complement: COL17A1 is on the minus strand). VCF-style: chr10-104041315-G-A. GRCh37 (hg19) VCF-style: chr10-105801073-G-A.
Other names: c.2635C>T (NM_000494.3); short protein forms R879*.
Identifiers: ClinVar variation 2873277 (VCV002873277.4), dbSNP rs757548746, ClinGen allele CA5678357.

ClinVar aggregate classification (germline): Pathogenic. Review status: criteria provided, multiple submitters, no conflicts (2 of 4 stars). 2 submissions from 2 submitters: Pathogenic (2). Last evaluated 2024-09-16.

Allele frequency attached by ClinVar (database versions not stated): ExAC 0.00001; gnomAD exomes 0.00001.
gnomAD v4.1: 8 of 1,609,384 alleles (0.0005%); highest among the groups gnomAD compares: East Asian, 0.0045%; no homozygotes.

Submissions (2):

GeneDx
Classification: Pathogenic. Last evaluated: 2024-09-16. Review status: criteria provided, single submitter. Criteria: GeneDx Variant Classification Process June 2021. Collection method: clinical testing. Allele origin: germline. Affected: yes.
Comment: Nonsense variant predicted to result in protein truncation or nonsense mediated decay in a gene for which loss of function is a known mechanism of disease; This variant is associated with the following publications: (PMID: 36287101)

Labcorp Genetics (formerly Invitae), Labcorp
Classification: Pathogenic. Last evaluated: 2024-03-01. Review status: criteria provided, single submitter. Criteria: Invitae Variant Classification Sherloc (09022015). Collection method: clinical testing. Allele origin: germline.
Comment: This sequence change creates a premature translational stop signal (p.Arg879*) in the COL17A1 gene. It is expected to result in an absent or disrupted protein product. Loss-of-function variants in COL17A1 are known to be pathogenic (PMID: 16473856, 17344927, 20301304, 21357940, 24319098). This variant is present in population databases (rs757548746, gnomAD 0.01%). This premature translational stop signal has been observed in individual(s) with autosomal recessive junctional epidermolysis bullosa (PMID: 36287101). In at least one individual the data is consistent with being in trans (on the opposite chromosome) from a pathogenic variant. For these reasons, this variant has been classified as Pathogenic.

Literature cited by the submitters: PubMed 16473856 (cited by Labcorp Genetics (formerly Invitae), Labcorp); PubMed 17344927 (cited by Labcorp Genetics (formerly Invitae), Labcorp); PubMed 20301304 (cited by Labcorp Genetics (formerly Invitae), Labcorp); PubMed 21357940 (cited by Labcorp Genetics (formerly Invitae), Labcorp); PubMed 24319098 (cited by Labcorp Genetics (formerly Invitae), Labcorp); PubMed 36287101 (cited by Labcorp Genetics (formerly Invitae), Labcorp).